The following is an entry in ClinVar:

NM_001136472.2(LITAF):c.377+1859dup

Gene: LITAF (lipopolysaccharide induced TNF factor; minus strand). Cytogenetic location: 16p13.13.
Variant type: Duplication.
Coding change: c.377+1859dup on transcript NM_001136472.2 (MANE Select); 1859 bases into the intron after coding-DNA position 377, one base duplicated (T; older notation c.377+1859dupT).
Molecular consequence: intron variant.
Genome position (GRCh38, 1-based): chr16:11,551,665, A duplicated on the plus strand (T on the coding strand, the reverse complement: LITAF is on the minus strand); the first of 10 consecutive A bases (chr16:11,551,665-11,551,674); duplicating any one gives the same sequence. VCF-style (leftmost placement, unchanged base first): chr16-11551664-C-CA. GRCh37 (hg19) VCF-style: chr16-11645520-C-CA.
Other names: c.*16+33dup (NM_001136473.1); c.377+1859dup (NM_004862.4).
Identifiers: ClinVar variation 683086 (VCV000683086.1), dbSNP rs57186247, ClinGen allele CA278303710.

ClinVar aggregate classification (germline): Benign (1 of 4 stars; one submission).

Submission:

GeneDx
Classification: Benign. Last evaluated: 2018-06-16. Review status: criteria provided, single submitter. Criteria: GeneDx Variant Classification (06012015). Collection method: clinical testing. Allele origin: germline. Affected: yes.
Comment: This variant is considered likely benign or benign based on one or more of the following criteria: it is a conservative change, it occurs at a poorly conserved position in the protein, it is predicted to be benign by multiple in silico algorithms, and/or has population frequency not consistent with disease.